The following is an entry in ClinVar:

NM_001134707.2(SARDH):c.2049C>T (p.Ile683=)

Gene: SARDH (sarcosine dehydrogenase; minus strand). Cytogenetic location: 9q34.2.
Variant type: single nucleotide variant.
Coding change: c.2049C>T on transcript NM_001134707.2 (MANE Select); coding-DNA position 2049, C replaced by T.
Protein change: p.Ile683=; no amino-acid change (isoleucine 683 retained).
Molecular consequence: synonymous variant.
Genome position (GRCh38, 1-based): chr9:133,690,400, G>A on the plus strand (C>T on the coding strand, the complement: SARDH is on the minus strand). VCF-style: chr9-133690400-G-A. GRCh37 (hg19) VCF-style: chr9-136555522-G-A.
Other names: c.2049C>T, p.Ile683= (NM_007101.4).
Identifiers: ClinVar variation 3040168 (VCV003040168.2), dbSNP rs748781646, ClinGen allele CA5314078.
Genomic context (GRCh38, chr9:133,690,400, plus strand): 5'-AGCAGGTGCACCCAGGGGCGGGCTCCCAGTCCTCTCTCACCTGGCTGGGCCCTGGATACT[G>A]ATCATACCCAGGTCCTCGGAGCTGTCGATGAGCTGGCACTGGGACTTCTGGTCCTGCAGC-3'
Protein context (NP_001128179.1, residues 673-693): LIDSSEDLGM[Ile683=]SIQGPASRAI

ClinVar aggregate classification (germline): Likely benign (0 of 4 stars; one submission).

Conditions:
SARDH-related disorder. Also called: SARDH-related condition.

Allele frequency attached by ClinVar (database versions not stated): ExAC 0.00002; gnomAD 0.00002; gnomAD exomes 0.00002.
gnomAD v4.1: 42 of 1,613,032 alleles (0.0026%); highest among the groups gnomAD compares: Middle Eastern, 0.2%; no homozygotes.

Submission:

PreventionGenetics, part of Exact Sciences
Classification: Likely benign for SARDH-related condition. Last evaluated: 2019-10-28. Review status: no assertion criteria provided. Collection method: clinical testing. Allele origin: germline.
Comment: This variant is classified as likely benign based on ACMG/AMP sequence variant interpretation guidelines (Richards et al. 2015 PMID: 25741868, with internal and published modifications).